The following is an entry in ClinVar:

NM_201548.5(CERKL):c.630del (p.His211fs)

Gene: CERKL (CERK like autophagy regulator; minus strand). Cytogenetic location: 2q31.3.
Variant type: Deletion.
Coding change: c.630del on transcript NM_201548.5 (MANE Select); coding-DNA position 630, one base deleted (G; older notation c.630delG).
Protein change: p.His211fs; shifts the reading frame from histidine 211.
Molecular consequence: frameshift variant. On other transcripts: intron variant (2).
Genome position (GRCh38, 1-based): chr2:181,566,105, C deleted on the plus strand (G on the coding strand, the reverse complement: CERKL is on the minus strand); the first of 3 consecutive C bases (chr2:181,566,105-181,566,107); deleting any one gives the same sequence. VCF-style (leftmost placement, unchanged base first): chr2-181566104-GC-G. GRCh37 (hg19) VCF-style: chr2-182430831-GC-G.
Other names: c.630del, p.His211fs (NM_001030311.3); c.498del, p.His167fs (NM_001160277.2); c.482-16397del (NM_001030312.3); c.613+7648del (NM_001030313.3); short protein forms H167fs, H211fs.
Identifiers: ClinVar variation 2016334 (VCV002016334.4), dbSNP rs2468336585, ClinGen allele CA2580065224.
Genomic context (GRCh38, chr2:181,566,104, plus strand): 5'-ATAATATAACCTACCCATCAAATCCCTGGAGTTCACATTCCTTAAGCAGTGACAGAGCGT[GC>G]CCTTCATATTCCATTACTATTAAAAAAACACACACACATACACAAAGTGACAGTTTTAAA-3'

ClinVar aggregate classification (germline): Pathogenic (1 of 4 stars; one submission).

Submission:

Labcorp Genetics (formerly Invitae), Labcorp
Classification: Pathogenic. Last evaluated: 2022-07-12. Review status: criteria provided, single submitter. Criteria: Invitae Variant Classification Sherloc (09022015). Collection method: clinical testing. Allele origin: germline.
Comment: For these reasons, this variant has been classified as Pathogenic. This variant has not been reported in the literature in individuals affected with CERKL-related conditions. This variant is not present in population databases (gnomAD no frequency). This sequence change creates a premature translational stop signal (p.His211Thrfs*39) in the CERKL gene. It is expected to result in an absent or disrupted protein product. Loss-of-function variants in CERKL are known to be pathogenic (PMID: 14681825, 23591405, 24043777).

Literature cited by the submitters: PubMed 14681825; PubMed 23591405; PubMed 24043777.